The following is an entry in ClinVar:

ClinVar aggregate classification (germline): Uncertain significance (1 of 4 stars; one submission).

Conditions:
Inborn genetic diseases. Identifiers: MedGen C0950123, MeSH D030342.

Submission:

Ambry Genetics
Classification: Uncertain significance for Inborn genetic diseases. Last evaluated: 2026-06-09. Review status: criteria provided, single submitter. Criteria: Ambry Variant Classification Scheme 2023. Collection method: clinical testing. Allele origin: germline.
Comment: The p.G532V variant (also known as c.1595G>T), located in coding exon 13 of the DNMT3A gene, results from a G to T substitution at nucleotide position 1595. The glycine at codon 532 is replaced by valine, an amino acid with dissimilar properties. This amino acid position is conserved. In addition, this alteration is predicted to be deleterious by in silico analysis. Based on the available evidence, the clinical significance of this variant remains unclear.

NM_022552.5(DNMT3A):c.1595G>T (p.Gly532Val)

Gene: DNMT3A (DNA methyltransferase 3 alpha; minus strand). Cytogenetic location: 2p23.3.
Variant type: single nucleotide variant.
Coding change: c.1595G>T on transcript NM_022552.5 (MANE Select); coding-DNA position 1595, G replaced by T.
Protein change: p.Gly532Val; replaces glycine 532 with valine.
Molecular consequence: missense variant. On other transcripts: non-coding transcript variant (1).
Genome position (GRCh38, 1-based): chr2:25,244,612, C>A on the plus strand (G>T on the coding strand, the complement: DNMT3A is on the minus strand). VCF-style: chr2-25244612-C-A. GRCh37 (hg19) VCF-style: chr2-25467481-C-A.
Other names: c.1139G>T, p.Gly380Val (NM_001320893.1); c.926G>T, p.Gly309Val (NM_001375819.1); c.1028G>T, p.Gly343Val (NM_153759.3); c.1595G>T, p.Gly532Val (NM_175629.2); short protein forms G309V, G343V, G380V, G532V.
Identifiers: ClinVar variation 4870050 (VCV004870050.1).